The following is an entry in ClinVar:

ClinVar aggregate classification (germline): Uncertain significance. Review status: criteria provided, multiple submitters, no conflicts (2 of 4 stars). 3 submissions from 3 submitters: Uncertain significance (2). 1 of the submissions does not count toward it. Last evaluated 2023-08-25.

Conditions:
Hereditary cancer-predisposing syndrome. Also called: Tumor predisposition; Hereditary Cancer Syndrome; Hereditary neoplastic syndrome; Neoplastic Syndromes, Hereditary. Identifiers: Orphanet 140162, MedGen C0027672, MeSH D009386, MONDO:0015356.
Ataxia-telangiectasia syndrome (AT). Also called: Ataxia telangiectasia (A-T); LOUIS-BAR SYNDROME; Cerebello-oculocutaneous telangiectasia; Immunodeficiency with ataxia telangiectasia; ATAXIA-TELANGIECTASIA, COMPLEMENTATION GROUP A; ATAXIA-TELANGIECTASIA, FRESNO VARIANT. Identifiers: Orphanet 100, MedGen C0004135, MONDO:0008840, OMIM 208900.

Allele frequency attached by ClinVar (database versions not stated): gnomAD exomes below 0.00001; gnomAD 0.00001.
gnomAD v4.1: 2 of 1,612,948 alleles (0.00012%); no homozygotes.

Submissions (3):

Ambry Genetics
Classification: Uncertain significance for Hereditary cancer-predisposing syndrome. Last evaluated: 2023-08-25. Review status: criteria provided, single submitter. Criteria: Ambry Variant Classification Scheme 2023. Collection method: clinical testing. Allele origin: germline.
Comment: The p.K1782R variant (also known as c.5345A>G), located in coding exon 35 of the ATM gene, results from an A to G substitution at nucleotide position 5345. The lysine at codon 1782 is replaced by arginine, an amino acid with highly similar properties. This amino acid position is not well conserved in available vertebrate species. In addition, this alteration is predicted to be tolerated by in silico analysis. Since supporting evidence is limited at this time, the clinical significance of this alteration remains unclear.

Labcorp Genetics (formerly Invitae), Labcorp
Classification: Uncertain significance for Ataxia-telangiectasia syndrome. Last evaluated: 2021-05-27. Review status: criteria provided, single submitter. Criteria: Invitae Variant Classification Sherloc (09022015). Collection method: clinical testing. Allele origin: germline.
Comment: This variant has not been reported in the literature in individuals with ATM-related conditions. ClinVar contains an entry for this variant (Variation ID: 236736). Advanced modeling of protein sequence and biophysical properties (such as structural, functional, and spatial information, amino acid conservation, physicochemical variation, residue mobility, and thermodynamic stability) performed at Invitae indicates that this missense variant is not expected to disrupt ATM protein function. In summary, the available evidence is currently insufficient to determine the role of this variant in disease. Therefore, it has been classified as a Variant of Uncertain Significance. This variant is not present in population databases (ExAC no frequency). This sequence change replaces lysine with arginine at codon 1782 of the ATM protein (p.Lys1782Arg). The lysine residue is weakly conserved and there is a small physicochemical difference between lysine and arginine.

Natera, Inc.
Classification: Uncertain significance for Ataxia-telangiectasia. Last evaluated: 2020-03-20. Review status: no assertion criteria provided. Collection method: clinical testing. Allele origin: germline. Not counted in ClinVar's aggregate classification.

NM_000051.4(ATM):c.5345A>G (p.Lys1782Arg)

Gene: ATM (ATM serine/threonine kinase; plus strand). Cytogenetic location: 11q22.3.
Variant type: single nucleotide variant.
Coding change: c.5345A>G on transcript NM_000051.4 (MANE Select); coding-DNA position 5345, A replaced by G.
Protein change: p.Lys1782Arg; replaces lysine 1782 with arginine.
Molecular consequence: missense variant.
Genome position (GRCh38, 1-based): chr11:108,302,878, A>G. VCF-style: chr11-108302878-A-G. GRCh37 (hg19) VCF-style: chr11-108173605-A-G.
Other names: c.5345A>G, p.Lys1782Arg (NM_001351834.2); short protein forms K1782R.
Identifiers: ClinVar variation 236736 (VCV000236736.17), dbSNP rs878853520, ClinGen allele CA10582828.
Genomic context (GRCh38, chr11:108,302,878, plus strand): 5'-CTCTTATTTACATTTTCTAATCCCTTTCTTTCTAGTTTTTAGAAGTACCCAGATTTGACA[A>G]AGAAAACCCTTTTGAAGGCCTGGATGATATAAATCTGTGGATTCCTCTAAGTGAAAATCA-3'
Protein context (NP_000042.3, residues 1772-1792): KKFLEVPRFD[Lys1782Arg]ENPFEGLDDI